The following is an entry in ClinVar:

NM_000834.5(GRIN2B):c.2486dup (p.Met829fs)

Gene: GRIN2B (glutamate ionotropic receptor NMDA type subunit 2B; minus strand). Cytogenetic location: 12p13.1.
Variant type: Duplication.
Coding change: c.2486dup on transcript NM_000834.5 (MANE Select); coding-DNA position 2486, one base duplicated (T; older notation c.2486dupT).
Protein change: p.Met829fs; shifts the reading frame from methionine 829.
Molecular consequence: frameshift variant.
Genome position (GRCh38, 1-based): chr12:13,567,137, A duplicated on the plus strand (T on the coding strand, the reverse complement: GRIN2B is on the minus strand). VCF-style (leftmost placement, unchanged base first): chr12-13567136-C-CA. GRCh37 (hg19) VCF-style: chr12-13720070-C-CA.
Other names: short protein forms M829fs.
Identifiers: ClinVar variation 817463 (VCV000817463.1), dbSNP rs1591609065, ClinGen allele CA915947891.

ClinVar aggregate classification (germline): Likely pathogenic (1 of 4 stars; one submission).

Submission:

GeneDx
Classification: Likely pathogenic. Last evaluated: 2019-02-15. Review status: criteria provided, single submitter. Criteria: GeneDx Variant Classification (06012015). Collection method: clinical testing. Allele origin: germline. Affected: yes.
Comment: The c.2486dupT variant in the GRIN2B gene has not been reported previously as a pathogenic variant nor as a benign variant, to our knowledge. The c.2486dupT variant causes a frameshift starting with codon Methionine 829, changes this amino acid to an Isoleucine residue, and creates a premature Stop codon at position 82 of the new reading frame, denoted p.Met829IlefsX82. This variant is predicted to cause loss of normal protein function through protein truncation, as the last 656 amino acids are lost and replaced with 81 incorrect amino acids. The c.2486dupT variant is not observed in large population cohorts (Lek et al., 2016). We interpret c.2486dupT as a likely pathogenic variant.